The following is an entry in ClinVar:

ClinVar aggregate classification (germline): Pathogenic (1 of 4 stars; one submission).

Conditions:
Alstrom syndrome (ALMS). Identifiers: Orphanet 64, MedGen C0268425, MONDO:0008763, OMIM 203800.

Submission:

Labcorp Genetics (formerly Invitae), Labcorp
Classification: Pathogenic for Alstrom syndrome. Last evaluated: 2019-02-12. Review status: criteria provided, single submitter. Criteria: Invitae Variant Classification Sherloc (09022015). Collection method: clinical testing. Allele origin: germline.
Comment: This sequence change creates a premature translational stop signal (p.Glu184*) in the ALMS1 gene. It is expected to result in an absent or disrupted protein product. This variant is not present in population databases (ExAC no frequency). For these reasons, this variant has been classified as Pathogenic. Loss-of-function variants in ALMS1 are known to be pathogenic (PMID: 17594715). This variant has not been reported in the literature in individuals with ALMS1-related conditions.

Literature cited by the submitters: PubMed 17594715.

NM_001378454.1(ALMS1):c.547G>T (p.Glu183Ter)

Gene: ALMS1 (ALMS1 centrosome and basal body associated protein; plus strand). Cytogenetic location: 2p13.1.
Variant type: single nucleotide variant.
Coding change: c.547G>T on transcript NM_001378454.1 (MANE Select); coding-DNA position 547, G replaced by T.
Protein change: p.Glu183Ter; replaces glutamic acid 183 with a stop codon.
Molecular consequence: nonsense.
Genome position (GRCh38, 1-based): chr2:73,419,219, G>T. VCF-style: chr2-73419219-G-T. GRCh37 (hg19) VCF-style: chr2-73646347-G-T.
Other names: c.550G>T, p.Glu184Ter (NM_015120.4); short protein forms E184*, E183*.
Identifiers: ClinVar variation 838357 (VCV000838357.7), dbSNP rs1671239143, ClinGen allele CA347259067.